The following is an entry in ClinVar:

ClinVar aggregate classification (germline): Uncertain significance (1 of 4 stars; one submission).

gnomAD v4.1: 97 of 1,614,064 alleles (0.006%); highest among the groups gnomAD compares: African/African-American, 0.077%; no homozygotes.

Submission:

Labcorp Genetics (formerly Invitae), Labcorp
Classification: Uncertain significance. Last evaluated: 2024-04-14. Review status: criteria provided, single submitter. Criteria: Invitae Variant Classification Sherloc (09022015). Collection method: clinical testing. Allele origin: germline.
Comment: This sequence change replaces cysteine, which is neutral and slightly polar, with phenylalanine, which is neutral and non-polar, at codon 393 of the H6PD protein (p.Cys393Phe). This variant is present in population databases (rs147080717, gnomAD 0.05%). This variant has not been reported in the literature in individuals affected with H6PD-related conditions. Advanced modeling of protein sequence and biophysical properties (such as structural, functional, and spatial information, amino acid conservation, physicochemical variation, residue mobility, and thermodynamic stability) has been performed at Invitae for this missense variant, however the output from this modeling did not meet the statistical confidence thresholds required to predict the impact of this variant on H6PD protein function. In summary, the available evidence is currently insufficient to determine the role of this variant in disease. Therefore, it has been classified as a Variant of Uncertain Significance.

NM_004285.4(H6PD):c.1178G>T (p.Cys393Phe)

Gene: H6PD (hexose-6-phosphate dehydrogenase/glucose 1-dehydrogenase; plus strand). Cytogenetic location: 1p36.22.
Variant type: single nucleotide variant.
Coding change: c.1178G>T on transcript NM_004285.4 (MANE Select); coding-DNA position 1178, G replaced by T.
Protein change: p.Cys393Phe; replaces cysteine 393 with phenylalanine.
Molecular consequence: missense variant.
Genome position (GRCh38, 1-based): chr1:9,263,671, G>T. VCF-style: chr1-9263671-G-T. GRCh37 (hg19) VCF-style: chr1-9323730-G-T.
Other names: c.1211G>T, p.Cys404Phe (NM_001282587.2); short protein forms C393F, C404F.
Identifiers: ClinVar variation 3706918 (VCV003706918.2).